The following is an entry in ClinVar:

ClinVar aggregate classification (germline): Uncertain significance. Review status: criteria provided, multiple submitters, no conflicts (2 of 4 stars). 2 submissions from 2 submitters: Uncertain significance (2). Last evaluated 2025-06-30.

Conditions:
X-linked Alport syndrome (ATS1). Also called: COL4A5-Related Nephropathy; NEPHROPATHY AND DEAFNESS, X-LINKED. Identifiers: Orphanet 63, Orphanet 88917, MedGen C4746986, MONDO:0010520, OMIM 301050.

gnomAD v4.1: 3 of 1,199,860 alleles (0.00025%); highest among the groups gnomAD compares: Admixed American, 0.0022%; no homozygotes.

Submissions (2):

Labcorp Genetics (formerly Invitae), Labcorp
Classification: Uncertain significance. Last evaluated: 2025-06-30. Review status: criteria provided, single submitter. Criteria: Invitae Variant Classification Sherloc (09022015). Collection method: clinical testing. Allele origin: germline.
Comment: This sequence change replaces isoleucine, which is neutral and non-polar, with valine, which is neutral and non-polar, at codon 161 of the COL4A5 protein (p.Ile161Val). This variant is not present in population databases (gnomAD no frequency). This variant has not been reported in the literature in individuals affected with COL4A5-related conditions. ClinVar contains an entry for this variant (Variation ID: 3597859). Invitae Evidence Modeling of protein sequence and biophysical properties (such as structural, functional, and spatial information, amino acid conservation, physicochemical variation, residue mobility, and thermodynamic stability) indicates that this missense variant is not expected to disrupt COL4A5 protein function with a negative predictive value of 95%. In summary, the available evidence is currently insufficient to determine the role of this variant in disease. Therefore, it has been classified as a Variant of Uncertain Significance.

Fulgent Genetics
Classification: Uncertain significance for X-linked Alport syndrome. Last evaluated: 2024-01-09. Review status: criteria provided, single submitter. Criteria: ACMG Guidelines, 2015. Collection method: clinical testing. Allele origin: germline.

NM_033380.3(COL4A5):c.481A>G (p.Ile161Val)

Gene: COL4A5 (collagen type IV alpha 5 chain; plus strand). Cytogenetic location: Xq22.3.
Variant type: single nucleotide variant.
Coding change: c.481A>G on transcript NM_033380.3 (MANE Select); coding-DNA position 481, A replaced by G.
Protein change: p.Ile161Val; replaces isoleucine 161 with valine.
Molecular consequence: missense variant.
Genome position (GRCh38, 1-based): chrX:108,573,589, A>G. VCF-style: chrX-108573589-A-G. GRCh37 (hg19) VCF-style: chrX-107816819-A-G.
Other names: c.481A>G, p.Ile161Val (NM_000495.5); short protein forms I161V.
Identifiers: ClinVar variation 3597859 (VCV003597859.2).